The following is an entry in ClinVar:

ClinVar aggregate classification (germline): Pathogenic/Likely pathogenic. Review status: criteria provided, multiple submitters, no conflicts (2 of 4 stars). 3 submissions from 3 submitters: Pathogenic (2); Likely pathogenic (1). Last evaluated 2023-01-24.

Conditions:
Infantile neuroaxonal dystrophy (NBIA2A). Also called: Infantile neuroaxonal dystrophy 1; SEITELBERGER DISEASE; NEURODEGENERATION WITH BRAIN IRON ACCUMULATION 2A. Identifiers: Orphanet 35069, MedGen C0270724, MONDO:0024457, OMIM 256600.
PLA2G6-associated neurodegeneration (PLAN). Also called: phospholipase A2-associated neurodegeneration. Identifiers: Orphanet 329303, MedGen CN204472, MONDO:0017998.

Allele frequency attached by ClinVar (database versions not stated): gnomAD exomes below 0.00001; ExAC 0.00001.
gnomAD v4.1: 1 of 1,612,954 alleles (0.000062%); highest among the groups gnomAD compares: Admixed American, 0.0017%; no homozygotes.

Submissions (3):

Broad Center for Mendelian Genomics, Broad Institute of MIT and Harvard
Classification: Likely pathogenic for PLA2G6-associated neurodegeneration. Last evaluated: 2023-01-24. Review status: criteria provided, single submitter. Criteria: ACMG Guidelines, 2015. Collection method: curation. Allele origin: germline. Inheritance: Autosomal recessive inheritance.
Comment: The p.Trp783Ter variant in PLA2G6 has not been previously reported in the literature in individuals with PLA2G6-associated neurodegeneration but has been identified in 0.003% (1/34526) of Latino/Admixed American chromosomes by the Genome Aggregation Database (gnomAD; dbSNP ID: rs775386225). Although this variant has been seen in the general population in a heterozygous state, its frequency is low enough to be consistent with a recessive carrier frequency. This variant has also been reported in ClinVar (Variation ID#: 1012697) and has been interpreted as pathogenic by CeGaT Praxis fuer Humangenetik Tuebingen. This nonsense variant leads to a premature termination codon at position 783. This alteration occurs within the last exon and is more likely to escape nonsense mediated decay (NMD) and result in a truncated protein. Truncating variants downstream of this variant (c.2370T>G, c.2370_2371delTG) are pathogenic/likely pathogenic, which implies this region is critical to protein function. Loss of function of the PLA2G6 gene is an established disease mechanism in PLA2G6-associated neurodegeneration. In summary, although additional studies are required to fully establish its clinical significance, this variant is likely pathogenic for autosomal recessive PLA2G6-associated neurodegeneration. ACMG/AMP Criteria applied: PVS1_strong, PM2 (Richards 2015).

Labcorp Genetics (formerly Invitae), Labcorp
Classification: Pathogenic for Infantile neuroaxonal dystrophy. Last evaluated: 2022-10-12. Review status: criteria provided, single submitter. Criteria: Invitae Variant Classification Sherloc (09022015). Collection method: clinical testing. Allele origin: germline.
Comment: For these reasons, this variant has been classified as Pathogenic. This variant disrupts a region of the PLA2G6 protein in which other variant(s) (p.Tyr790*) have been determined to be pathogenic (PMID: 16783378, 20886109, 27378808). This suggests that this is a clinically significant region of the protein, and that variants that disrupt it are likely to be disease-causing. ClinVar contains an entry for this variant (Variation ID: 1012697). This variant has not been reported in the literature in individuals affected with PLA2G6-related conditions. This variant is present in population databases (rs775386225, gnomAD 0.003%). This sequence change creates a premature translational stop signal (p.Trp783*) in the PLA2G6 gene. While this is not anticipated to result in nonsense mediated decay, it is expected to disrupt the last 24 amino acid(s) of the PLA2G6 protein.

CeGaT Center for Human Genetics Tuebingen
Classification: Pathogenic. Last evaluated: 2020-12-01. Review status: criteria provided, single submitter. Criteria: CeGaT Center For Human Genetics Tuebingen Variant Classification Criteria Version 2. Collection method: clinical testing. Allele origin: germline. Affected: yes. Observed: 1 variant allele.

Literature cited by the submitters: PubMed 16783378 (cited by Labcorp Genetics (formerly Invitae), Labcorp); PubMed 20886109 (cited by Labcorp Genetics (formerly Invitae), Labcorp); PubMed 27378808 (cited by Labcorp Genetics (formerly Invitae), Labcorp).

NM_003560.4(PLA2G6):c.2349G>A (p.Trp783Ter)

Gene: PLA2G6 (phospholipase A2 group VI; minus strand). Cytogenetic location: 22q13.1.
Variant type: single nucleotide variant.
Coding change: c.2349G>A on transcript NM_003560.4 (MANE Select); coding-DNA position 2349, G replaced by A.
Protein change: p.Trp783Ter; replaces tryptophan 783 with a stop codon.
Molecular consequence: nonsense.
Genome position (GRCh38, 1-based): chr22:38,112,233, C>T on the plus strand (G>A on the coding strand, the complement: PLA2G6 is on the minus strand). VCF-style: chr22-38112233-C-T. GRCh37 (hg19) VCF-style: chr22-38508240-C-T.
Other names: NM_003560.4(PLA2G6):c.2349G>A; p.Trp783Ter; c.2187G>A, p.Trp729Ter (NM_001004426.3, NM_001199562.3, NM_001349865.2 and 1 more transcripts); c.2349G>A, p.Trp783Ter (NM_001349864.2); c.1815G>A, p.Trp605Ter (NM_001349867.2); c.1671G>A, p.Trp557Ter (NM_001349868.2); c.1653G>A, p.Trp551Ter (NM_001349869.2); short protein forms W551*, W557*, W605*, W729*, W783*.
Identifiers: ClinVar variation 1012697 (VCV001012697.42), dbSNP rs775386225, ClinGen allele CA10230533.